The following is an entry in ClinVar:

NM_001379291.1(BRD4):c.1882G>A (p.Glu628Lys)

Gene: BRD4 (bromodomain containing 4; minus strand). Cytogenetic location: 19p13.12.
Variant type: single nucleotide variant.
Coding change: c.1882G>A on transcript NM_001379291.1 (MANE Select); coding-DNA position 1882, G replaced by A.
Protein change: p.Glu628Lys; replaces glutamic acid 628 with lysine.
Molecular consequence: missense variant.
Genome position (GRCh38, 1-based): chr19:15,255,462, C>T on the plus strand (G>A on the coding strand, the complement: BRD4 is on the minus strand). VCF-style: chr19-15255462-C-T. GRCh37 (hg19) VCF-style: chr19-15366273-C-T.
Other names: c.1882G>A, p.Glu628Lys (NM_001330384.2, NM_001379292.1, NM_014299.3 and 1 more transcripts); short protein forms E628K.
Identifiers: ClinVar variation 4809079 (VCV004809079.1).

ClinVar aggregate classification (germline): Uncertain significance (1 of 4 stars; one submission).

gnomAD v4.1: 3 of 1,614,164 alleles (0.00019%); highest among the groups gnomAD compares: Non-Finnish European, 0.00025%; no homozygotes.

Submission:

Labcorp Genetics (formerly Invitae), Labcorp
Classification: Uncertain significance. Last evaluated: 2025-10-22. Review status: criteria provided, single submitter. Criteria: Invitae Variant Classification Sherloc (09022015). Collection method: clinical testing. Allele origin: germline.
Comment: This sequence change replaces glutamic acid, which is acidic and polar, with lysine, which is basic and polar, at codon 628 of the BRD4 protein (p.Glu628Lys). This variant is not present in population databases (gnomAD no frequency). This variant has not been reported in the literature in individuals affected with BRD4-related conditions. Invitae Evidence Modeling of protein sequence and biophysical properties (such as structural, functional, and spatial information, amino acid conservation, physicochemical variation, residue mobility, and thermodynamic stability) indicates that this missense variant is not expected to disrupt BRD4 protein function with a negative predictive value of 80%. In summary, the available evidence is currently insufficient to determine the role of this variant in disease. Therefore, it has been classified as a Variant of Uncertain Significance.